The following is an entry in ClinVar:

ClinVar aggregate classification (germline): Conflicting classifications of pathogenicity. Review status: criteria provided, conflicting classifications (1 of 4 stars). 3 submissions from 3 submitters: Uncertain significance (2); Likely benign (1). Last evaluated 2024-11-23.

Conditions:
Pulmonary fibrosis and/or bone marrow failure, Telomere-related, 3. Also called: PULMONARY FIBROSIS AND/OR BONE MARROW FAILURE SYNDROME, TELOMERE-RELATED, 3. Identifiers: Orphanet 2032, MedGen C4225346, MONDO:0014613, OMIM 616373.
Dyskeratosis congenita, autosomal recessive 5 (DKCB5). Identifiers: MedGen C3554656, MONDO:0014076, OMIM 615190.
Inborn genetic diseases. Identifiers: MedGen C0950123, MeSH D030342.

Allele frequency attached by ClinVar (database versions not stated): TOPMed below 0.00001; gnomAD 0.00001; gnomAD exomes 0.00001; ExAC 0.00003.
gnomAD v4.1: 14 of 1,612,432 alleles (0.00087%); highest among the groups gnomAD compares: South Asian, 0.0077%; no homozygotes.

Submissions (3):

Ambry Genetics
Classification: Likely benign for Inborn genetic diseases. Last evaluated: 2024-11-23. Review status: criteria provided, single submitter. Criteria: Ambry Variant Classification Scheme 2023. Collection method: clinical testing. Allele origin: germline.

Labcorp Genetics (formerly Invitae), Labcorp
Classification: Uncertain significance for Dyskeratosis congenita, autosomal recessive 5; Pulmonary fibrosis and/or bone marrow failure, Telomere-related, 3. Last evaluated: 2024-08-17. Review status: criteria provided, single submitter. Criteria: Invitae Variant Classification Sherloc (09022015). Collection method: clinical testing. Allele origin: germline.
Comment: This sequence change replaces asparagine, which is neutral and polar, with serine, which is neutral and polar, at codon 737 of the RTEL1 protein (p.Asn737Ser). This variant is present in population databases (rs773705133, gnomAD 0.01%). This variant has not been reported in the literature in individuals affected with RTEL1-related conditions. ClinVar contains an entry for this variant (Variation ID: 2147446). An algorithm developed to predict the effect of missense changes on protein structure and function outputs the following: PolyPhen-2: "Benign". The serine amino acid residue is found in multiple mammalian species, which suggests that this missense change does not adversely affect protein function. In summary, the available evidence is currently insufficient to determine the role of this variant in disease. Therefore, it has been classified as a Variant of Uncertain Significance.

Neuberg Centre For Genomic Medicine, NCGM
Classification: Uncertain significance for Dyskeratosis congenita, autosomal recessive 5. Review status: criteria provided, single submitter. Criteria: ACMG Guidelines, 2015. Collection method: clinical testing. Allele origin: germline. Inheritance: Autosomal recessive inheritance. Affected: yes.
Comment: The missense variant in c.2210A>G (p.Asn737Ser) in RTEL1 gene has not been reported previously as a pathogenic variant nor as a benign variant, to our knowledge. The p.Asn737Ser variant is novel (not in any individuals) in 1000 Genomes and has allele frequency of 0.001602% in gnomAD database. This variant has not been reported to the ClinVar database. The amino acid Asn at position 737 is changed to a Ser changing protein sequence and it might alter its composition and physico-chemical properties. The amino acid change p.Asn737Ser in RTEL1 is predicted as conserved by PhyloP across 100 vertebrates. For these reasons, this variant has been classified as Uncertain significance.

NM_001283009.2(RTEL1):c.2210A>G (p.Asn737Ser)

Genes: RTEL1 (regulator of telomere elongation helicase 1; plus strand), RTEL1-TNFRSF6B (RTEL1-TNFRSF6B readthrough (NMD candidate); plus strand). Cytogenetic location: 20q13.33.
Variant type: single nucleotide variant.
Coding change: c.2210A>G on transcript NM_001283009.2 (MANE Select); coding-DNA position 2210, A replaced by G.
Protein change: p.Asn737Ser; replaces asparagine 737 with serine.
Molecular consequence: missense variant. On other transcripts: non-coding transcript variant (1).
Genome position (GRCh38, 1-based): chr20:63,690,155, A>G. VCF-style: chr20-63690155-A-G. GRCh37 (hg19) VCF-style: chr20-62321508-A-G.
Other names: c.1541A>G, p.Asn514Ser (NM_001283010.1); c.2210A>G, p.Asn737Ser (NM_016434.4); c.2282A>G, p.Asn761Ser (NM_032957.5); short protein forms N737S, N761S, N514S.
Identifiers: ClinVar variation 2147446 (VCV002147446.4), dbSNP rs773705133, ClinGen allele CA9965226.